The following is an entry in ClinVar:

ClinVar aggregate classification (germline): Uncertain significance (1 of 4 stars; one submission).

Conditions:
TRPC5-related disorder. Also called: TRPC5-related condition.

Submission:

PreventionGenetics, part of Exact Sciences
Classification: Uncertain significance for TRPC5-related condition. Last evaluated: 2025-01-16. Review status: criteria provided, single submitter. Criteria: ACMG Guidelines, 2015. Collection method: clinical testing. Allele origin: germline.
Comment: The TRPC5 c.826A>T variant is predicted to result in the amino acid substitution p.Ser276Cys. To our knowledge, this variant has not been reported in the literature or in a large population database (gnomAD), indicating this variant is rare. At this time, the clinical significance of this variant is uncertain due to the absence of conclusive functional and genetic evidence.

NM_012471.3(TRPC5):c.826A>T (p.Ser276Cys)

Gene: TRPC5 (transient receptor potential cation channel subfamily C member 5; minus strand). Cytogenetic location: Xq23.
Variant type: single nucleotide variant.
Coding change: c.826A>T on transcript NM_012471.3 (MANE Select); coding-DNA position 826, A replaced by T.
Protein change: p.Ser276Cys; replaces serine 276 with cysteine.
Molecular consequence: missense variant.
Genome position (GRCh38, 1-based): chrX:111,912,365, T>A on the plus strand (A>T on the coding strand, the complement: TRPC5 is on the minus strand). VCF-style: chrX-111912365-T-A. GRCh37 (hg19) VCF-style: chrX-111155593-T-A.
Other names: short protein forms S276C.
Identifiers: ClinVar variation 4999704 (VCV004999704.1).